The following is an entry in ClinVar:

NM_000075.4(CDK4):c.780G>A (p.Val260=)

Genes: CDK4 (cyclin dependent kinase 4; minus strand), TSPAN31 (tetraspanin 31; plus strand). Cytogenetic location: 12q14.1.
Variant type: single nucleotide variant.
Coding change: c.780G>A on transcript NM_000075.4 (MANE Select); coding-DNA position 780, G replaced by A.
Protein change: p.Val260=; no amino-acid change (valine 260 retained).
Molecular consequence: synonymous variant. On other transcripts: 3 prime UTR variant (3).
Genome position (GRCh38, 1-based): chr12:57,749,221, C>T on the plus strand (G>A on the coding strand, the complement: CDK4 is on the minus strand). VCF-style: chr12-57749221-C-T. GRCh37 (hg19) VCF-style: chr12-58143004-C-T.
Other names: c.*1931C>T (NM_001330168.2, NM_001330169.2, NM_005981.5).
Identifiers: ClinVar variation 1623120 (VCV001623120.11), dbSNP rs1955200396, ClinGen allele CA480299680.
Genomic context (GRCh38, chr12:57,749,221, plus strand): 5'-GCCCACAGCCATCTCCAGTACCAGCAGCAGCTGTGCTCCCGACTCCTCCATCTCAGGTAC[C>T]ACCGACTGCACTGGGCGGGGCCCTCTGGGGGGAAAGGCTCCACGGGGCAGGGATACATCT-3'
Protein context (NP_000066.1, residues 250-270): PPRGPRPVQS[Val260=]VPEMEESGAQ

ClinVar aggregate classification (germline): Conflicting classifications of pathogenicity. Review status: criteria provided, conflicting classifications (1 of 4 stars). 3 submissions from 3 submitters: Uncertain significance (1); Benign (1); Likely benign (1). Last evaluated 2024-09-26.

Conditions:
Hereditary cancer-predisposing syndrome. Also called: Hereditary Cancer Syndrome; Neoplastic Syndromes, Hereditary; Hereditary neoplastic syndrome; Tumor predisposition. Identifiers: Orphanet 140162, MedGen C0027672, MeSH D009386, MONDO:0015356.
Familial melanoma. Also called: Hereditary melanoma; Hereditary cutaneous melanoma. Identifiers: Orphanet 618, MedGen C1512419, MONDO:0018961.
Melanoma, cutaneous malignant, susceptibility to, 3. Also called: Cutaneous malignant melanoma 3. Identifiers: Orphanet 618, MedGen C1836892, MONDO:0012183, OMIM 609048.

gnomAD v4.1: 1 of 1,614,068 alleles (0.000062%); highest among the groups gnomAD compares: Non-Finnish European, 0.000085%; no homozygotes.

Submissions (3):

Myriad Genetics, Inc.
Classification: Benign for Melanoma, cutaneous malignant, susceptibility to, 3. Last evaluated: 2024-09-26. Review status: criteria provided, single submitter. Criteria: Myriad Autosomal Dominant, Autosomal Recessive and X-Linked Classification Criteria (2023). Collection method: clinical testing. Allele origin: unknown.
Comment: This variant is considered benign. This variant is a silent/synonymous amino acid change and it is not expected to impact splicing.

Labcorp Genetics (formerly Invitae), Labcorp
Classification: Likely benign for Familial melanoma. Last evaluated: 2024-09-12. Review status: criteria provided, single submitter. Criteria: Invitae Variant Classification Sherloc (09022015). Collection method: clinical testing. Allele origin: germline.

Ambry Genetics
Classification: Uncertain significance for Hereditary cancer-predisposing syndrome. Last evaluated: 2023-07-17. Review status: criteria provided, single submitter. Criteria: Ambry Variant Classification Scheme 2023. Collection method: clinical testing. Allele origin: germline.
Comment: The c.780G>A variant (also known as p.V260V), located in coding exon 6 of the CDK4 gene, results from a G to A substitution at nucleotide position 780. This nucleotide substitution does not change the valine at codon 260. This nucleotide position is not well conserved in available vertebrate species. In silico splice site analysis for this alteration is inconclusive. Since supporting evidence is limited at this time, the clinical significance of this alteration remains unclear.